The following is an entry in ClinVar:

NM_002528.7(NTHL1):c.217C>A (p.Pro73Thr)

Gene: NTHL1 (nth like DNA glycosylase 1; minus strand). Cytogenetic location: 16p13.3.
Variant type: single nucleotide variant.
Coding change: c.217C>A on transcript NM_002528.7 (MANE Select); coding-DNA position 217, C replaced by A.
Protein change: p.Pro73Thr; replaces proline 73 with threonine.
Molecular consequence: missense variant. On other transcripts: intron variant (1).
Genome position (GRCh38, 1-based): chr16:2,046,265, G>T on the plus strand (C>A on the coding strand, the complement: NTHL1 is on the minus strand). VCF-style: chr16-2046265-G-T. GRCh37 (hg19) VCF-style: chr16-2096266-G-T.
Other names: c.217C>A, p.Pro73Thr (NM_001318193.2); c.24+15C>A (NM_001318194.2); c.241C>A (NM_002528.5); short protein forms P73T.
Identifiers: ClinVar variation 2119261 (VCV002119261.5), dbSNP rs2548320570, ClinGen allele CA394297469.

ClinVar aggregate classification (germline): Uncertain significance. Review status: criteria provided, multiple submitters, no conflicts (2 of 4 stars). 2 submissions from 2 submitters: Uncertain significance (2). Last evaluated 2025-04-11.

Conditions:
Hereditary cancer-predisposing syndrome. Also called: Hereditary Cancer Syndrome; Tumor predisposition; Neoplastic Syndromes, Hereditary; Hereditary neoplastic syndrome. Identifiers: Orphanet 140162, MedGen C0027672, MeSH D009386, MONDO:0015356.

Submissions (2):

Ambry Genetics
Classification: Uncertain significance for Hereditary cancer-predisposing syndrome. Last evaluated: 2025-04-11. Review status: criteria provided, single submitter. Criteria: Ambry Variant Classification Scheme 2023. Collection method: clinical testing. Allele origin: germline.
Comment: The p.P81T variant (also known as c.241C>A), located in coding exon 2 of the NTHL1 gene, results from a C to A substitution at nucleotide position 241. The proline at codon 81 is replaced by threonine, an amino acid with highly similar properties. This amino acid position is conserved. In addition, this alteration is predicted to be tolerated by in silico analysis. Based on the available evidence, the clinical significance of this variant remains unclear.

Labcorp Genetics (formerly Invitae), Labcorp
Classification: Uncertain significance. Last evaluated: 2022-03-29. Review status: criteria provided, single submitter. Criteria: Invitae Variant Classification Sherloc (09022015). Collection method: clinical testing. Allele origin: germline.
Comment: This sequence change replaces proline, which is neutral and non-polar, with threonine, which is neutral and polar, at codon 81 of the NTHL1 protein (p.Pro81Thr). This variant is not present in population databases (gnomAD no frequency). This variant has not been reported in the literature in individuals affected with NTHL1-related conditions. Algorithms developed to predict the effect of missense changes on protein structure and function output the following: SIFT: "Not Available"; PolyPhen-2: "Benign"; Align-GVGD: "Not Available". The threonine amino acid residue is found in multiple mammalian species, which suggests that this missense change does not adversely affect protein function. In summary, the available evidence is currently insufficient to determine the role of this variant in disease. Therefore, it has been classified as a Variant of Uncertain Significance.